The following is an entry in ClinVar:

ClinVar aggregate classification (germline): Uncertain significance (1 of 4 stars; one submission).

Conditions:
Inborn genetic diseases. Identifiers: MedGen C0950123, MeSH D030342.

Submission:

Ambry Genetics
Classification: Uncertain significance for Inborn genetic diseases. Last evaluated: 2022-02-03. Review status: criteria provided, single submitter. Criteria: Ambry Variant Classification Scheme 2023. Collection method: clinical testing. Allele origin: germline.
Comment: The p.M469R variant (also known as c.1406T>G), located in coding exon 7 of the INF2 gene, results from a T to G substitution at nucleotide position 1406. The methionine at codon 469 is replaced by arginine, an amino acid with similar properties. This amino acid position is conserved. In addition, this alteration is predicted to be tolerated by in silico analysis. Since supporting evidence is limited at this time, the clinical significance of this alteration remains unclear.

NM_022489.4(INF2):c.1406T>G (p.Met469Arg)

Gene: INF2 (inverted formin 2; plus strand). Cytogenetic location: 14q32.33.
Variant type: single nucleotide variant.
Coding change: c.1406T>G on transcript NM_022489.4 (MANE Select); coding-DNA position 1406, T replaced by G.
Protein change: p.Met469Arg; replaces methionine 469 with arginine.
Molecular consequence: missense variant.
Genome position (GRCh38, 1-based): chr14:104,707,673, T>G. VCF-style: chr14-104707673-T-G. GRCh37 (hg19) VCF-style: chr14-105174010-T-G.
Other names: c.1406T>G, p.Met469Arg (NM_001031714.4); short protein forms M469R.
Identifiers: ClinVar variation 1771909 (VCV001771909.2), dbSNP rs1889849217, ClinGen allele CA391216893.